The following is an entry in ClinVar:

ClinVar aggregate classification (germline): Conflicting classifications of pathogenicity. Review status: criteria provided, conflicting classifications (1 of 4 stars). 5 submissions from 5 submitters: Uncertain significance (2); Likely benign (2). 1 of the submissions does not count toward it. Last evaluated 2026-01-05.

Conditions:
JAG1-related disorder. Also called: JAG1-related condition; JAG1-related disorders.
Alagille syndrome due to a JAG1 point mutation. Also called: Alagille Syndrome 1; HEPATIC DUCTULAR HYPOPLASIA, SYNDROMATIC; JAG1-Related Alagille Syndrome. Identifiers: Orphanet 261619, Orphanet 52, MedGen C1956125, MONDO:0016862, OMIM 118450.
Isolated Nonsyndromic Congenital Heart Disease.

Allele frequency attached by ClinVar (database versions not stated): ExAC 0.00004; gnomAD 0.00004; gnomAD exomes 0.00004; TOPMed 0.00004; ESP Exome Variant Server 0.00008.
gnomAD v4.1: 102 of 1,611,342 alleles (0.0063%); highest among the groups gnomAD compares: Middle Eastern, 0.033%; no homozygotes.

Submissions (5):

Labcorp Genetics (formerly Invitae), Labcorp
Classification: Likely benign for Alagille syndrome due to a JAG1 point mutation. Last evaluated: 2026-01-05. Review status: criteria provided, single submitter. Criteria: Invitae Variant Classification Sherloc (09022015). Collection method: clinical testing. Allele origin: germline.

Blueprint Genetics
Classification: Likely benign. Last evaluated: 2023-12-22. Review status: criteria provided, single submitter. Criteria: ACMG Guidelines, 2015. Collection method: clinical testing. Allele origin: germline.

Department of Pathology and Laboratory Medicine, Sinai Health System
Classification: Uncertain significance for Alagille syndrome due to a JAG1 point mutation. Last evaluated: 2023-08-22. Review status: criteria provided, single submitter. Criteria: ACMG Guidelines, 2015. Collection method: research. Allele origin: germline.

Illumina Laboratory Services, Illumina
Classification: Uncertain significance for Isolated Nonsyndromic Congenital Heart Disease. Last evaluated: 2018-01-13. Review status: criteria provided, single submitter. Criteria: ICSL Variant Classification Criteria 13 December 2019. Collection method: clinical testing. Allele origin: germline.

PreventionGenetics, part of Exact Sciences
Classification: Likely benign for JAG1-related condition. Last evaluated: 2019-03-27. Review status: no assertion criteria provided. Collection method: clinical testing. Allele origin: germline. Not counted in ClinVar's aggregate classification.
Comment: This variant is classified as likely benign based on ACMG/AMP sequence variant interpretation guidelines (Richards et al. 2015 PMID: 25741868, with internal and published modifications).

NM_000214.3(JAG1):c.439+9C>T

Gene: JAG1 (jagged canonical Notch ligand 1; minus strand). Cytogenetic location: 20p12.2.
Variant type: single nucleotide variant.
Coding change: c.439+9C>T on transcript NM_000214.3 (MANE Select); 9 bases into the intron after coding-DNA position 439, C replaced by T.
Molecular consequence: intron variant.
Genome position (GRCh38, 1-based): chr20:10,663,954, G>A on the plus strand (C>T on the coding strand, the complement: JAG1 is on the minus strand). VCF-style: chr20-10663954-G-A. GRCh37 (hg19) VCF-style: chr20-10644602-G-A.
Identifiers: ClinVar variation 898902 (VCV000898902.16), dbSNP rs374350782, ClinGen allele CA9765138.
Genomic context (GRCh38, chr20:10,663,954, plus strand): 5'-TCCAACTGGTTGGCCAAGCCCCACACTTCCACGTGTGTTTAGAGAAAAGTCCACAGAAGC[G>A]ATACTTACGAACGGTGTCATTACTGGAATCCCACGCCTCCACAAGCAACGTATAGGACCT-3'